The following is an entry in ClinVar:

NM_002474.3(MYH11):c.4821C>T (p.Asp1607=)

Genes: NDE1 (nudE neurodevelopment protein 1; plus strand), MYH11 (myosin heavy chain 11; minus strand). Cytogenetic location: 16p13.11.
Variant type: single nucleotide variant.
Coding change: c.4821C>T on transcript NM_002474.3 (MANE Select); coding-DNA position 4821, C replaced by T.
Protein change: p.Asp1607=; no amino-acid change (aspartic acid 1607 retained).
Molecular consequence: synonymous variant. On other transcripts: intron variant (2).
Genome position (GRCh38, 1-based): chr16:15,720,283, G>A on the plus strand (C>T on the coding strand, the complement: MYH11 is on the minus strand). VCF-style: chr16-15720283-G-A. GRCh37 (hg19) VCF-style: chr16-15814140-G-A.
Other names: c.4842C>T, p.Asp1614= (NM_001040113.2, NM_001040114.2); c.4821C>T, p.Asp1607= (NM_022844.3); c.948-3908G>A (NM_001143979.2, NM_017668.3).
Identifiers: ClinVar variation 318105 (VCV000318105.19), dbSNP rs749424185, ClinGen allele CA7921529.

ClinVar aggregate classification (germline): Conflicting classifications of pathogenicity. Review status: criteria provided, conflicting classifications (1 of 4 stars). 5 submissions from 5 submitters: Uncertain significance (1); Benign (3); Likely benign (1). Last evaluated 2026-01-26.

Conditions:
Familial thoracic aortic aneurysm and aortic dissection (TAAD). Also called: Thoracic aortic aneurysms and dissections. Identifiers: Orphanet 91387, MedGen C4707243, MONDO:0019625.
Aortic aneurysm, familial thoracic 4 (AAT4). Also called: AORTIC ANEURYSM/AORTIC DISSECTION AND PATENT DUCTUS ARTERIOSUS. Identifiers: MedGen C1851504, MONDO:0007568, OMIM 132900.

Allele frequency attached by ClinVar (database versions not stated): gnomAD below 0.00001 and 0.00001; TOPMed 0.00001; gnomAD exomes 0.00004 and 0.00010; ExAC 0.00012.
gnomAD v4.1: 63 of 1,613,916 alleles (0.0039%); highest among the groups gnomAD compares: South Asian, 0.06%; 3 homozygotes.

Submissions (5):

Labcorp Genetics (formerly Invitae), Labcorp
Classification: Benign for Aortic aneurysm, familial thoracic 4. Last evaluated: 2026-01-26. Review status: criteria provided, single submitter. Criteria: Invitae Variant Classification Sherloc (09022015). Collection method: clinical testing. Allele origin: germline.

All of Us Research Program, National Institutes of Health
Classification: Benign for Familial thoracic aortic aneurysm and aortic dissection. Last evaluated: 2023-08-15. Review status: criteria provided, single submitter. Criteria: ACMG Guidelines, 2015. Collection method: clinical testing. Allele origin: germline. Inheritance: Autosomal dominant inheritance. Observed: 2 variant alleles, 2 heterozygotes.
Comment: This study involves interpretation of variants in research participants for the purpose of population health screening. Participant phenotype was not available at the time of variant classification. Additional details can be found in publication PMID: 35346344, PMCID: PMC8962531

Color Diagnostics, LLC DBA Color Health
Classification: Benign for Familial thoracic aortic aneurysm and aortic dissection. Last evaluated: 2019-12-09. Review status: criteria provided, single submitter. Criteria: ACMG Guidelines, 2015. Collection method: clinical testing. Allele origin: germline.

Ambry Genetics
Classification: Likely benign for Familial thoracic aortic aneurysm and aortic dissection. Last evaluated: 2019-09-19. Review status: criteria provided, single submitter. Criteria: Ambry Variant Classification Scheme 2023. Collection method: clinical testing. Allele origin: germline.

Illumina Laboratory Services, Illumina
Classification: Uncertain significance for Aortic aneurysm, familial thoracic 4. Last evaluated: 2018-01-13. Review status: criteria provided, single submitter. Criteria: ICSL Variant Classification Criteria 13 December 2019. Collection method: clinical testing. Allele origin: germline.